The following is an entry in ClinVar:

NM_000094.4(COL7A1):c.4490G>T (p.Arg1497Leu)

Gene: COL7A1 (collagen type VII alpha 1 chain; minus strand). Cytogenetic location: 3p21.31.
Variant type: single nucleotide variant.
Coding change: c.4490G>T on transcript NM_000094.4 (MANE Select); coding-DNA position 4490, G replaced by T.
Protein change: p.Arg1497Leu; replaces arginine 1497 with leucine.
Molecular consequence: missense variant.
Genome position (GRCh38, 1-based): chr3:48,583,041, C>A on the plus strand (G>T on the coding strand, the complement: COL7A1 is on the minus strand). VCF-style: chr3-48583041-C-A. GRCh37 (hg19) VCF-style: chr3-48620474-C-A.
Other names: short protein forms R1497L.
Identifiers: ClinVar variation 2636175 (VCV002636175.1), dbSNP rs749549271, ClinGen allele CA352689386.
Genomic context (GRCh38, chr3:48,583,041, plus strand): 5'-GCTGGTATGAGCATTGCAGCCAGTGGGTTTACCCGGGATCCCGCTGGGCCTGGGGGTCCA[C>A]GTTCGCCCTGATGGAAAAGAAGAGGTCAGAGCTGAGTTGGGCCCAGATCCTCCAGGGCCC-3'
Protein context (NP_000085.1, residues 1487-1507): PLGEAGEKGE[Arg1497Leu]GPPGPAGSRG

ClinVar aggregate classification (germline): Uncertain significance (1 of 4 stars; one submission).

Conditions:
COL7A1-related disorder. Also called: COL7A1- related disorders; COL7A1-related condition.

Submission:

PreventionGenetics, part of Exact Sciences
Classification: Uncertain significance for COL7A1-related condition. Last evaluated: 2022-08-29. Review status: criteria provided, single submitter. Criteria: ACMG Guidelines, 2015. Collection method: clinical testing. Allele origin: germline.
Comment: The COL7A1 c.4490G>T variant is predicted to result in the amino acid substitution p.Arg1497Leu. To our knowledge, this variant has not been reported in the literature or in a large population database, indicating this variant is rare. At this time, the clinical significance of this variant is uncertain due to the absence of conclusive functional and genetic evidence.